The following is an entry in ClinVar:

NM_001105206.3(LAMA4):c.4666-3C>T

Gene: LAMA4 (laminin subunit alpha 4; minus strand). Cytogenetic location: 6q21.
Variant type: single nucleotide variant.
Coding change: c.4666-3C>T on transcript NM_001105206.3 (MANE Select); 3 bases into the intron before coding-DNA position 4666, C replaced by T.
Molecular consequence: intron variant.
Genome position (GRCh38, 1-based): chr6:112,119,314, G>A on the plus strand (C>T on the coding strand, the complement: LAMA4 is on the minus strand). VCF-style: chr6-112119314-G-A. GRCh37 (hg19) VCF-style: chr6-112440517-G-A.
Other names: c.4645-3C>T (NM_002290.5, NM_001105207.3).
Identifiers: ClinVar variation 1742141 (VCV001742141.5), dbSNP rs372262695, ClinGen allele CA144882430.

ClinVar aggregate classification (germline): Uncertain significance. Review status: criteria provided, multiple submitters, no conflicts (2 of 4 stars). 2 submissions from 2 submitters: Uncertain significance (2). Last evaluated 2023-03-30.

Conditions:
Dilated cardiomyopathy 1JJ (CMD1JJ). Identifiers: Orphanet 154, MedGen C3808935, MONDO:0014095, OMIM 615235.
Cardiovascular phenotype. Identifiers: MedGen CN230736.

Allele frequency attached by ClinVar (database versions not stated): gnomAD exomes below 0.00001; gnomAD 0.00001; TOPMed 0.00002; ESP Exome Variant Server 0.00008.
gnomAD v4.1: 4 of 1,613,364 alleles (0.00025%); highest among the groups gnomAD compares: African/African-American, 0.0053%; no homozygotes.

Submissions (2):

Labcorp Genetics (formerly Invitae), Labcorp
Classification: Uncertain significance for Dilated cardiomyopathy 1JJ. Last evaluated: 2023-03-30. Review status: criteria provided, single submitter. Criteria: Invitae Variant Classification Sherloc (09022015). Collection method: clinical testing. Allele origin: germline.
Comment: This variant is not present in population databases (gnomAD no frequency). This sequence change falls in intron 33 of the LAMA4 gene. It does not directly change the encoded amino acid sequence of the LAMA4 protein. It affects a nucleotide within the consensus splice site. In summary, the available evidence is currently insufficient to determine the role of this variant in disease. Therefore, it has been classified as a Variant of Uncertain Significance. Variants that disrupt the consensus splice site are a relatively common cause of aberrant splicing (PMID: 17576681, 9536098). Algorithms developed to predict the effect of sequence changes on RNA splicing suggest that this variant is not likely to affect RNA splicing. ClinVar contains an entry for this variant (Variation ID: 1742141). This variant has not been reported in the literature in individuals affected with LAMA4-related conditions.

Ambry Genetics
Classification: Uncertain significance for Cardiovascular phenotype. Last evaluated: 2021-02-09. Review status: criteria provided, single submitter. Criteria: Ambry Variant Classification Scheme 2023. Collection method: clinical testing. Allele origin: germline.
Comment: The c.4645-3C>T intronic variant results from a C to T substitution 3 nucleotides upstream from coding exon 33 in the LAMA4 gene. This nucleotide position is not well conserved in available vertebrate species. In silico splice site analysis predicts that this alteration will not have any significant effect on splicing. Since supporting evidence is limited at this time, the clinical significance of this alteration remains unclear.

Literature cited by the submitters: PubMed 17576681 (cited by Labcorp Genetics (formerly Invitae), Labcorp); PubMed 9536098 (cited by Labcorp Genetics (formerly Invitae), Labcorp).